The following is an entry in ClinVar:

ClinVar aggregate classification (germline): Likely benign (1 of 4 stars; one submission).

gnomAD v4.1: 102 of 1,600,884 alleles (0.0064%); highest among the groups gnomAD compares: Admixed American, 0.16%; 2 homozygotes.

Submission:

CeGaT Center for Human Genetics Tuebingen
Classification: Likely benign. Last evaluated: 2026-01-01. Review status: criteria provided, single submitter. Criteria: CeGaT Center For Human Genetics Tuebingen Variant Classification Criteria Version 2. Collection method: clinical testing. Allele origin: germline. Affected: yes. Observed: 1 variant allele.
Comment: GPR152: BP4, BP7

NM_206997.1(GPR152):c.48C>T (p.Pro16=)

Genes: CABP4 (calcium binding protein 4; plus strand), GPR152 (G protein-coupled receptor 152; minus strand). Cytogenetic location: 11q13.2.
Variant type: single nucleotide variant.
Coding change: c.48C>T on transcript NM_206997.1 (MANE Select); coding-DNA position 48, C replaced by T.
Protein change: p.Pro16=; no amino-acid change (proline 16 retained).
Molecular consequence: synonymous variant. On other transcripts: intron variant (2).
Genome position (GRCh38, 1-based): chr11:67,452,677, G>A on the plus strand (C>T on the coding strand, the complement: GPR152 is on the minus strand). VCF-style: chr11-67452677-G-A. GRCh37 (hg19) VCF-style: chr11-67220148-G-A.
Other names: c.-509+31G>A (NM_001379183.1); c.-113+31G>A (NM_001300896.3).
Identifiers: ClinVar variation 4821310 (VCV004821310.4).